The following is an entry in ClinVar:

NM_000316.3(PTH1R):c.75+12G>A

Gene: PTH1R (parathyroid hormone 1 receptor; plus strand). Cytogenetic location: 3p21.31.
Variant type: single nucleotide variant.
Coding change: c.75+12G>A on transcript NM_000316.3 (MANE Select); 12 bases into the intron after coding-DNA position 75, G replaced by A.
Molecular consequence: intron variant.
Genome position (GRCh38, 1-based): chr3:46,883,646, G>A. VCF-style: chr3-46883646-G-A. GRCh37 (hg19) VCF-style: chr3-46925136-G-A.
Other names: c.75+12G>A (NM_001184744.1).
Identifiers: ClinVar variation 345576 (VCV000345576.19), dbSNP rs200603325, ClinGen allele CA2359059.

ClinVar aggregate classification (germline): Benign/Likely benign. Review status: criteria provided, multiple submitters, no conflicts (2 of 4 stars). 7 submissions from 6 submitters: Benign (4); Likely benign (3). Last evaluated 2026-01-21.

Conditions:
Chondrodysplasia Blomstrand type (BOCD). Identifiers: Orphanet 50945, MedGen C1859148, MONDO:0008970, OMIM 215045.
Metaphyseal chondrodysplasia, Jansen type. Also called: PTH1R-Related Jansen Metaphyseal Chondrodysplasia; Metaphyseal chondrodysplasia Murk Jansen type. Identifiers: Orphanet 33067, MedGen C0265295, MONDO:0007982, OMIM 156400.
Primary failure of tooth eruption. Also called: DENTAL NONERUPTION; PRIMARY RETENTION OF TEETH; UNERUPTED SECOND PRIMARY MOLAR; POSTERIOR OPENBITE MALOCCLUSION, FAMILIAL. Identifiers: Orphanet 412206, MedGen C1852222, MONDO:0007434, OMIM 125350.
Eiken syndrome (EKNS). Also called: BONE MODELING DEFECT OF HANDS AND FEET. Identifiers: Orphanet 79106, MedGen C1838779, MONDO:0010803, OMIM 600002.

Allele frequency attached by ClinVar (database versions not stated): ESP Exome Variant Server 0.00078; gnomAD 0.00081 and 0.00114; TOPMed 0.00118; 1000 Genomes Project 30x 0.00219; 1000 Genomes Project 0.00260; gnomAD exomes 0.00287; ExAC 0.00609.
gnomAD v4.1: 2,245 of 1,545,740 alleles (0.15%); highest among the groups gnomAD compares: Middle Eastern, 1.6%; 16 homozygotes.

Submissions (7):

Labcorp Genetics (formerly Invitae), Labcorp
Classification: Benign. Last evaluated: 2026-01-21. Review status: criteria provided, single submitter. Criteria: Invitae Variant Classification Sherloc (09022015). Collection method: clinical testing. Allele origin: germline.

Genomic Medicine Center of Excellence, King Faisal Specialist Hospital and Research Centre
Classification: Likely benign. Last evaluated: 2025-08-18. Review status: criteria provided, single submitter. Criteria: ACMG Guidelines, 2015. Collection method: clinical testing. Allele origin: germline.

Blueprint Genetics
Classification: Likely benign. Last evaluated: 2024-11-26. Review status: criteria provided, single submitter. Criteria: ACMG Guidelines, 2015. Collection method: clinical testing. Allele origin: germline.

Fulgent Genetics
Classification: Likely benign for Primary failure of tooth eruption; Metaphyseal chondrodysplasia, Jansen type; Chondrodysplasia Blomstrand type; Eiken syndrome. Last evaluated: 2021-07-23. Review status: criteria provided, single submitter. Criteria: ACMG Guidelines, 2015. Collection method: clinical testing. Allele origin: unknown.

Illumina Laboratory Services, Illumina
Classification: Benign for Metaphyseal chondrodysplasia, Jansen type. Last evaluated: 2018-01-13. Review status: criteria provided, single submitter. Criteria: ICSL Variant Classification Criteria 13 December 2019. Collection method: clinical testing. Allele origin: germline.
Comment: This variant was observed in the ICSL laboratory as part of a predisposition screen in an ostensibly healthy population. It had not been previously curated by ICSL or reported in the Human Gene Mutation Database (HGMD: prior to June 1st, 2018), and was therefore a candidate for classification through an automated scoring system. Utilizing variant allele frequency, disease prevalence and penetrance estimates, and inheritance mode, an automated score was calculated to assess if this variant is too frequent to cause the disease. Based on the score and internal cut-off values, a variant classified as benign is not then subjected to further curation. The score for this variant resulted in a classification of benign for this disease.

Illumina Laboratory Services, Illumina
Classification: Benign for Chondrodysplasia Blomstrand type. Last evaluated: 2018-01-13. Review status: criteria provided, single submitter. Criteria: ICSL Variant Classification Criteria 13 December 2019. Collection method: clinical testing. Allele origin: germline.
Comment: the same text as in the submission from Illumina Laboratory Services, Illumina above.

Breakthrough Genomics
Classification: Benign. Review status: criteria provided, single submitter. Criteria: ACMG Guidelines, 2015. Collection method: not provided. Allele origin: germline. Inheritance: Autosomal recessive inheritance. Affected: yes.